The following is an entry in ClinVar:

NM_003235.5(TG):c.3292C>G (p.Pro1098Ala)

Gene: TG (thyroglobulin; plus strand). Cytogenetic location: 8q24.22.
Variant type: single nucleotide variant.
Coding change: c.3292C>G on transcript NM_003235.5 (MANE Select); coding-DNA position 3292, C replaced by G.
Protein change: p.Pro1098Ala; replaces proline 1098 with alanine.
Molecular consequence: missense variant.
Genome position (GRCh38, 1-based): chr8:132,898,872, C>G. VCF-style: chr8-132898872-C-G. GRCh37 (hg19) VCF-style: chr8-133911117-C-G.
Other names: short protein forms P1098A.
Identifiers: ClinVar variation 3385052 (VCV003385052.1).

ClinVar aggregate classification (germline): Uncertain significance (1 of 4 stars; one submission).

gnomAD v4.1: 29 of 1,614,170 alleles (0.0018%); highest among the groups gnomAD compares: Admixed American, 0.025%; no homozygotes.

Submission:

Women's Health and Genetics/Laboratory Corporation of America, LabCorp
Classification: Uncertain significance. Last evaluated: 2024-10-28. Review status: criteria provided, single submitter. Criteria: LabCorp Variant Classification Summary - May 2015. Collection method: clinical testing. Allele origin: germline.
Comment: Variant summary: TG c.3292C>G (p.Pro1098Ala) results in a non-conservative amino acid change located in the Thyroglobulin type-1 domain (IPR000716) of the encoded protein sequence. Four of five in-silico tools predict a benign effect of the variant on protein function. The variant allele was found at a frequency of 3.2e-05 in 251386 control chromosomes. The available data on variant occurrences in the general population are insufficient to allow any conclusion about variant significance. To our knowledge, no occurrence of c.3292C>G in individuals affected with TG-Related Disorders and no experimental evidence demonstrating its impact on protein function have been reported. No submitters have cited clinical-significance assessments for this variant to ClinVar. Based on the evidence outlined above, the variant was classified as uncertain significance.